The following continues an entry in ClinVar:

NC_012920.1(MT-ND6):m.14484T>C

Gene: MT-ND6. ClinVar aggregate classification (germline): Pathogenic. Pathogenic (1).

Submissions 11 to 18 of 18:

ARUP Laboratories, Molecular Genetics and Genomics, ARUP Laboratories
Classification: Pathogenic. Last evaluated: 2017-05-26. Review status: criteria provided, single submitter. Criteria: ARUP Molecular Germline Variant Investigation Process. Collection method: clinical testing. Allele origin: germline. Not counted in ClinVar's aggregate classification.
Comment: The m.14484T>C variant is one of three primary pathogenic LHON-causing variants, and is detected in 14% of reported LHON cases (Mackey 1996 and Man 2002). In certain ethnic groups, the proportion can be much higher, such as in individuals of French Canadian ancestry, where 79% of LHON pedigrees carry the m.14484T>C variant (Macmillan 1998). Macmillan (1998) also demonstrated that males carrying this variant are 7.7 times more likely to develop symptoms than females. The clinical presentation of mitochondrial diseases caused by mtDNA variants is highly variable and depends on the total percentage of abnormal mitochondria and tissue-specific distribution. The penetrance of the m.14484T>C variant is also influenced by age, and other environmental and genetic modifiers.

Stanford Center for Inherited Cardiovascular Disease, Stanford University
Classification: Likely pathogenic. Last evaluated: 2015-06-12. Review status: criteria provided, single submitter. Criteria: ACMG Guidelines, 2015. Collection method: provider interpretation. Allele origin: germline. Not counted in ClinVar's aggregate classification.

Institute of Human Genetics, Univ. Regensburg, Univ. Regensburg
Classification: Pathogenic for Optic atrophy. Last evaluated: 2022-01-01. Review status: no assertion criteria provided. Criteria: ACMG Guidelines, 2015. Collection method: clinical testing. Allele origin: germline. Affected: yes. Not counted in ClinVar's aggregate classification.

Institute of Human Genetics, Univ. Regensburg, Univ. Regensburg
Classification: Pathogenic for Retinal dystrophy. Last evaluated: 2022-01-01. Review status: no assertion criteria provided. Criteria: ACMG Guidelines, 2015. Collection method: clinical testing. Allele origin: germline. Affected: yes. Not counted in ClinVar's aggregate classification.

Equipe Genetique des Anomalies du Developpement, Université de Bourgogne
Classification: Pathogenic for Leber optic atrophy. Last evaluated: 2018-09-25. Review status: no assertion criteria provided. Collection method: research. Allele origin: unknown. Affected: no. Observed: 1 variant allele. Not counted in ClinVar's aggregate classification.
Comment: The clinical presentation of mitochondrial diseases caused by mtDNA variants is highly variable and depends on the total percentage of abnormal mitochondria and tissue-specific distribution. The penetrance of the m.14484T>C variant is also influenced by age, and other environmental and genetic modifiers.

OMIM
Classification: Pathogenic for LEBER OPTIC ATROPHY. Last evaluated: 2008-08-01. Review status: no assertion criteria provided. Collection method: literature only. Allele origin: germline. Not counted in ClinVar's aggregate classification.

GeneReviews
No classification provided. Condition: Leber optic atrophy. Review status: no classification provided. Collection method: literature only. Allele origin: maternal. Not counted in ClinVar's aggregate classification.
Comment: This variant is one of the three most common causes of LHON.

GeneReviews
No classification provided. Condition: Leigh syndrome. Review status: no classification provided. Collection method: literature only. Allele origin: germline. Not counted in ClinVar's aggregate classification.

Literature cited by the submitters: PubMed 12827453 (cited by Department of Molecular Genetics, Istishari Arab Hospital and OMIM); PubMed 19047048 (cited by 3billion); PubMed 12446713 (cited by 3billion); PubMed 9484365 (cited by 3billion); PubMed 35858578 (cited by 3billion); PubMed 25909222 (cited by 3billion); PubMed 28392196 (cited by 3billion); PubMed 24508359 (cited by 3billion); PubMed 15883259 (cited by 3billion); PubMed 20943885 (cited by 3billion); PubMed 15342361 (cited by 3billion); PubMed 35567411 (cited by 3billion); PubMed 18806273 (cited by 3billion); PubMed 12379308 (cited by 3billion); PubMed 8470982 (cited by Wong Mito Lab, Molecular and Human Genetics, Baylor College of Medicine); PubMed 1634041 (cited by OMIM); PubMed 1463007 (cited by OMIM); PubMed 9012411 (cited by OMIM); PubMed 9849804 (cited by OMIM); PubMed 10631164 (cited by OMIM); PubMed 7219534 (cited by OMIM); PubMed 5511487 (cited by OMIM); PubMed 10072046 (cited by OMIM); PubMed 12736867 (cited by OMIM); PubMed 15954041 (cited by OMIM); PubMed 18674747 (cited by OMIM); PubMed 30143805 (cited by GeneReviews); PubMed 20301353 (cited by GeneReviews); NCBI Bookshelf NBK1173 (cited by GeneReviews).